The following is an entry in ClinVar:

ClinVar aggregate classification (germline): Uncertain significance (1 of 4 stars; one submission).

Conditions:
Neuroblastoma, susceptibility to, 3. Also called: ALK-Related Neuroblastic Tumor Susceptibility. Identifiers: Orphanet 635, MedGen C2751681, MONDO:0013083, OMIM 613014.

Submission:

Labcorp Genetics (formerly Invitae), Labcorp
Classification: Uncertain significance for Neuroblastoma, susceptibility to, 3. Last evaluated: 2025-05-28. Review status: criteria provided, single submitter. Criteria: Invitae Variant Classification Sherloc (09022015). Collection method: clinical testing. Allele origin: germline.
Comment: This sequence change replaces phenylalanine, which is neutral and non-polar, with leucine, which is neutral and non-polar, at codon 656 of the ALK protein (p.Phe656Leu). This variant is not present in population databases (gnomAD no frequency). This variant has not been reported in the literature in individuals affected with ALK-related conditions. An algorithm developed to predict the effect of missense changes on protein structure and function (PolyPhen-2) suggests that this variant is likely to be tolerated. In summary, the available evidence is currently insufficient to determine the role of this variant in disease. Therefore, it has been classified as a Variant of Uncertain Significance.

NM_004304.5(ALK):c.1966T>C (p.Phe656Leu)

Gene: ALK (ALK receptor tyrosine kinase; minus strand). Cytogenetic location: 2p23.2.
Variant type: single nucleotide variant.
Coding change: c.1966T>C on transcript NM_004304.5 (MANE Select); coding-DNA position 1966, T replaced by C.
Protein change: p.Phe656Leu; replaces phenylalanine 656 with leucine.
Molecular consequence: missense variant.
Genome position (GRCh38, 1-based): chr2:29,275,174, A>G on the plus strand (T>C on the coding strand, the complement: ALK is on the minus strand). VCF-style: chr2-29275174-A-G. GRCh37 (hg19) VCF-style: chr2-29498040-A-G.
Other names: short protein forms F656L.
Identifiers: ClinVar variation 4720392 (VCV004720392.1).
Genomic context (GRCh38, chr2:29,275,174, plus strand): 5'-TGGGGGTCTGTCTTGGTGAATTTTCCCCGGGTTTCAGCTCCTTGTTTGGGTTTCTCTCAA[A>G]CAGGTTTCTTGATTTGGGTGCTGTATTCTGCAGGATCTTGTCCTCTCCGCTAACTGCAAT-3'
Protein context (NP_004295.2, residues 646-666): QNTAPKSRNL[Phe656Leu]ERNPNKELKP